The following is an entry in ClinVar:

NM_016284.5(CNOT1):c.397C>G (p.Leu133Val)

Gene: CNOT1 (CCR4-NOT transcription complex subunit 1; minus strand). Cytogenetic location: 16q21.
Variant type: single nucleotide variant.
Coding change: c.397C>G on transcript NM_016284.5 (MANE Select); coding-DNA position 397, C replaced by G.
Protein change: p.Leu133Val; replaces leucine 133 with valine.
Molecular consequence: missense variant. On other transcripts: non-coding transcript variant (1).
Genome position (GRCh38, 1-based): chr16:58,587,237, G>C on the plus strand (C>G on the coding strand, the complement: CNOT1 is on the minus strand). VCF-style: chr16-58587237-G-C. GRCh37 (hg19) VCF-style: chr16-58621141-G-C.
Other names: c.397C>G, p.Leu133Val (NM_001265612.2, NM_206999.3); short protein forms L133V.
Identifiers: ClinVar variation 1978516 (VCV001978516.4), dbSNP rs750904918, ClinGen allele CA8090193.

ClinVar aggregate classification (germline): Uncertain significance (1 of 4 stars; one submission).

Allele frequency attached by ClinVar (database versions not stated): ExAC 0.00001; TOPMed 0.00002; gnomAD 0.00003.
gnomAD v4.1: 4 of 1,613,546 alleles (0.00025%); highest among the groups gnomAD compares: African/African-American, 0.0053%; no homozygotes.

Submission:

Labcorp Genetics (formerly Invitae), Labcorp
Classification: Uncertain significance. Last evaluated: 2022-10-21. Review status: criteria provided, single submitter. Criteria: Invitae Variant Classification Sherloc (09022015). Collection method: clinical testing. Allele origin: germline.
Comment: In summary, the available evidence is currently insufficient to determine the role of this variant in disease. Therefore, it has been classified as a Variant of Uncertain Significance. Algorithms developed to predict the effect of missense changes on protein structure and function are either unavailable or do not agree on the potential impact of this missense change (SIFT: "Tolerated"; PolyPhen-2: "Probably Damaging"; Align-GVGD: "Class C0"). This variant has not been reported in the literature in individuals affected with CNOT1-related conditions. This variant is present in population databases (rs750904918, gnomAD 0.008%). This sequence change replaces leucine, which is neutral and non-polar, with valine, which is neutral and non-polar, at codon 133 of the CNOT1 protein (p.Leu133Val).